The following is an entry in ClinVar:

NM_004168.4(SDHA):c.582T>C (p.Asp194=)

Gene: SDHA (succinate dehydrogenase complex flavoprotein subunit A; plus strand). Cytogenetic location: 5p15.33.
Variant type: single nucleotide variant.
Coding change: c.582T>C on transcript NM_004168.4 (MANE Select); coding-DNA position 582, T replaced by C.
Protein change: p.Asp194=; no amino-acid change (aspartic acid 194 retained).
Molecular consequence: synonymous variant.
Genome position (GRCh38, 1-based): chr5:226,008, T>C. VCF-style: chr5-226008-T-C. GRCh37 (hg19) VCF-style: chr5-226123-T-C.
Other names: c.438T>C, p.Asp146= (NM_001294332.2); c.582T>C, p.Asp194= (NM_001330758.2).
Identifiers: ClinVar variation 2045125 (VCV002045125.5), dbSNP rs2477300654, ClinGen allele CA442691148.

ClinVar aggregate classification (germline): Benign/Likely benign. Review status: criteria provided, multiple submitters, no conflicts (2 of 4 stars). 2 submissions from 2 submitters: Benign (1); Likely benign (1). Last evaluated 2025-05-05.

Conditions:
Pheochromocytoma/paraganglioma syndrome 5. Also called: Paragangliomas 5; SDHA-Related Hereditary Paraganglioma-Pheochromocytoma Syndrome. Identifiers: Orphanet 29072, MedGen C3279992, MONDO:0013602, OMIM 614165.
Mitochondrial complex II deficiency, nuclear type 1. Also called: SUCCINATE CoQ REDUCTASE DEFICIENCY. Identifiers: Orphanet 3208, MedGen C5700310, MONDO:0100294, OMIM 252011.

Submissions (2):

Labcorp Genetics (formerly Invitae), Labcorp
Classification: Likely benign for Pheochromocytoma/paraganglioma syndrome 5; Mitochondrial complex II deficiency, nuclear type 1. Last evaluated: 2025-05-05. Review status: criteria provided, single submitter. Criteria: Invitae Variant Classification Sherloc (09022015). Collection method: clinical testing. Allele origin: germline.

Myriad Genetics, Inc.
Classification: Benign for Pheochromocytoma/paraganglioma syndrome 5. Last evaluated: 2025-03-03. Review status: criteria provided, single submitter. Criteria: Myriad Autosomal Dominant, Autosomal Recessive and X-Linked Classification Criteria (2023). Collection method: clinical testing. Allele origin: unknown.
Comment: This variant is considered benign. This variant is a silent/synonymous amino acid change and it is not expected to impact splicing.